The following is an entry in ClinVar:

ClinVar aggregate classification (germline): Conflicting classifications of pathogenicity. Review status: criteria provided, conflicting classifications (1 of 4 stars). 5 submissions from 5 submitters: Uncertain significance (3); Likely benign (1). 1 of the submissions does not count toward it. Last evaluated 2025-10-13.

Conditions:
Inborn genetic diseases. Identifiers: MedGen C0950123, MeSH D030342.
POLG-related disorder. Also called: POLG-Related Spectrum Disorders; POLG-related condition; POLG-Related Disorders. Identifiers: MedGen C4763519.
Progressive sclerosing poliodystrophy (MTDPS4A). Also called: Mitochondrial DNA depletion syndrome 4A (Alpers type); Alpers Syndrome; ALPERS DIFFUSE DEGENERATION OF CEREBRAL GRAY MATTER WITH HEPATIC CIRRHOSIS; Mitochondrial DNA Depletion Syndrome 4A; Alpers-Huttenlocher Syndrome (AHS); ALPERS PROGRESSIVE INFANTILE POLIODYSTROPHY. Identifiers: Orphanet 726, MedGen C0205710, MONDO:0008758, OMIM 203700.

Allele frequency attached by ClinVar (database versions not stated): gnomAD 0.00001; TOPMed 0.00001; gnomAD exomes 0.00002.
gnomAD v4.1: 32 of 1,614,102 alleles (0.002%); highest among the groups gnomAD compares: Non-Finnish European, 0.0026%; no homozygotes.

Submissions (5):

Labcorp Genetics (formerly Invitae), Labcorp
Classification: Uncertain significance for Progressive sclerosing poliodystrophy. Last evaluated: 2025-10-13. Review status: criteria provided, single submitter. Criteria: Invitae Variant Classification Sherloc (09022015). Collection method: clinical testing. Allele origin: germline.
Comment: This sequence change replaces isoleucine, which is neutral and non-polar, with valine, which is neutral and non-polar, at codon 515 of the POLG protein (p.Ile515Val). This variant is present in population databases (rs748919988, gnomAD 0.002%). This variant has not been reported in the literature in individuals affected with POLG-related conditions. ClinVar contains an entry for this variant (Variation ID: 426869). Invitae Evidence Modeling of protein sequence and biophysical properties (such as structural, functional, and spatial information, amino acid conservation, physicochemical variation, residue mobility, and thermodynamic stability) indicates that this missense variant is not expected to disrupt POLG protein function with a negative predictive value of 95%. In summary, the available evidence is currently insufficient to determine the role of this variant in disease. Therefore, it has been classified as a Variant of Uncertain Significance.

Ambry Genetics
Classification: Likely benign for Inborn genetic diseases. Last evaluated: 2025-04-15. Review status: criteria provided, single submitter. Criteria: Ambry Variant Classification Scheme 2023. Collection method: clinical testing. Allele origin: germline.

Mayo Clinic Laboratories, Mayo Clinic
Classification: Uncertain significance. Last evaluated: 2023-08-29. Review status: criteria provided, single submitter. Criteria: ACMG Guidelines, 2015. Collection method: clinical testing. Allele origin: germline. Observed: 1 variant allele.
Comment: BP4

GeneDx
Classification: Uncertain significance. Last evaluated: 2017-03-30. Review status: criteria provided, single submitter. Criteria: GeneDx Variant Classification (06012015). Collection method: clinical testing. Allele origin: germline. Affected: yes.
Comment: A variant of uncertain significance has been identified in the POLG gene. The I515V variant has not been published as a pathogenic variant, nor has it been reported as a benign variant to our knowledge. The I515V variant is not observed in large population cohorts (Lek et al., 2016; 1000 Genomes Consortium et al., 2015; Exome Variant Server). The I515V variant is a conservative amino acid substitution, which is not likely to impact secondary protein structure as these residues share similar properties. This substitution occurs at a position that is not conserved, and in silico analysis predicts this variant likely does not alter the protein structure/function. However, missense variants in nearby residues (S511N, K512M) have been reported in the Human Gene Mutation Database in association with POLG-related disorders (Stenson et al., 2014). Therefore, based on the currently available information, it is unclear whether this variant is a pathogenic variant or a rare benign variant.

PreventionGenetics, part of Exact Sciences
Classification: Uncertain significance for POLG-related condition. Last evaluated: 2024-09-25. Review status: no assertion criteria provided. Collection method: clinical testing. Allele origin: germline. Not counted in ClinVar's aggregate classification.
Comment: The POLG c.1543A>G variant is predicted to result in the amino acid substitution p.Ile515Val. To our knowledge, this variant has not been reported in the literature. This variant is reported in 0.0015% of alleles in individuals of European (Non-Finnish) descent in gnomAD. At this time, the clinical significance of this variant is uncertain due to the absence of conclusive functional and genetic evidence.

NM_002693.3(POLG):c.1543A>G (p.Ile515Val)

Gene: POLG (DNA polymerase gamma, catalytic subunit; minus strand). Cytogenetic location: 15q26.1.
Variant type: single nucleotide variant.
Coding change: c.1543A>G on transcript NM_002693.3 (MANE Select); coding-DNA position 1543, A replaced by G.
Protein change: p.Ile515Val; replaces isoleucine 515 with valine.
Molecular consequence: missense variant.
Genome position (GRCh38, 1-based): chr15:89,326,954, T>C on the plus strand (A>G on the coding strand, the complement: POLG is on the minus strand). VCF-style: chr15-89326954-T-C. GRCh37 (hg19) VCF-style: chr15-89870185-T-C.
Other names: p.Ile515Val; c.1543A>G, p.Ile515Val (NM_001126131.2); short protein forms I515V.
Identifiers: ClinVar variation 426869 (VCV000426869.14), dbSNP rs748919988, ClinGen allele CA274556112.